The following is an entry in ClinVar:

ClinVar aggregate classification (germline): Pathogenic (1 of 4 stars; one submission).

Conditions:
Hereditary breast ovarian cancer syndrome. Also called: Hereditary breast and ovarian cancer syndrome (HBOC); Hereditary breast and/or ovarian cancer syndrome; Hereditary breast and ovarian cancer; BRCA1- and BRCA2-Associated Hereditary Breast and Ovarian Cancer; Hereditary breast and ovarian cancer syndrome; Breast and ovarian cancer. Identifiers: Orphanet 145, MedGen C0677776, MeSH D061325, MONDO:0003582. Disease mechanism: loss of function.

Submission:

Labcorp Genetics (formerly Invitae), Labcorp
Classification: Pathogenic for Hereditary breast ovarian cancer syndrome. Last evaluated: 2020-03-05. Review status: criteria provided, single submitter. Criteria: Invitae Variant Classification Sherloc (09022015). Collection method: clinical testing. Allele origin: germline.
Comment: This variant is an out-of-frame deletion of the genomic region encompassing exons 4-6 of the BRCA1 gene. This is expected to create a premature translational stop signal and result in an absent or disrupted protein product. Similar deletion of exons 4-6 has been observed in individuals and families affected with breast and/or ovarian cancer (PMID: 18546071, 16715518, 16772120, Invitae). Deletion of exons 4-6 is also known as deletion of exons 5-7 in the literature. Loss-of-function variants in BRCA1 are known to be pathogenic (PMID: 20104584). For these reasons, this variant has been classified as Pathogenic.

Literature cited by the submitters: PubMed 18546071; PubMed 16715518; PubMed 16772120; PubMed 20104584.

NC_000017.10:g.(?_41256129)_(41258568_?)del

Gene: BRCA1 (BRCA1 DNA repair associated; minus strand). Cytogenetic location: 17q21.31.
Variant type: Deletion.
Identifiers: ClinVar variation 1073297 (VCV001073297.1).